The following is an entry in ClinVar:

NM_000522.5(HOXA13):c.431C>T (p.Pro144Leu)

Genes: HOXA13 (homeobox A13; minus strand), LOC107126288 (NUP98-HOXA13 recombination region; plus strand). Cytogenetic location: 7p15.2.
Variant type: single nucleotide variant.
Coding change: c.431C>T on transcript NM_000522.5 (MANE Select); coding-DNA position 431, C replaced by T.
Protein change: p.Pro144Leu; replaces proline 144 with leucine.
Molecular consequence: missense variant.
Genome position (GRCh38, 1-based): chr7:27,199,647, G>A on the plus strand (C>T on the coding strand, the complement: HOXA13 is on the minus strand). VCF-style: chr7-27199647-G-A. GRCh37 (hg19) VCF-style: chr7-27239266-G-A.
Other names: short protein forms P144L.
Identifiers: ClinVar variation 1437472 (VCV001437472.8), dbSNP rs1298976147, ClinGen allele CA367073591.
Genomic context (GRCh38, chr7:27,199,647, plus strand): 5'-GACGAGCTCTGCGCCGCTGCCGAGCAGGGGCTGCATTGCTTGGCGGCCTCTGCGCCCGCC[G>A]GGCCCGCCGGGCCGGGACCTCCCGAGGACGACGCGGCGGCGGCGGCGGCGGCTGCAGCGG-3'
Protein context (NP_000513.2, residues 134-154): SSSGGPGPAG[Pro144Leu]AGAEAAKQCS

ClinVar aggregate classification (germline): Uncertain significance. Review status: criteria provided, multiple submitters, no conflicts (2 of 4 stars). 2 submissions from 2 submitters: Uncertain significance (2). Last evaluated 2026-01-15.

Conditions:
Guttmacher syndrome. Identifiers: Orphanet 2957, MedGen C1867801, MONDO:0008301, OMIM 176305.
Hand-foot-genital syndrome (HFG). Also called: Hand-Foot-Uterus Syndrome; HFU syndrome; HFG syndrome. Identifiers: Orphanet 2438, MedGen C1841679, MONDO:0007698, OMIM 140000.

Allele frequency attached by ClinVar (database versions not stated): gnomAD 0.00001 and 0.00002; 1000 Genomes Project 30x 0.00031.

Submissions (2):

Labcorp Genetics (formerly Invitae), Labcorp
Classification: Uncertain significance. Last evaluated: 2026-01-15. Review status: criteria provided, single submitter. Criteria: Invitae Variant Classification Sherloc (09022015). Collection method: clinical testing. Allele origin: germline.
Comment: This sequence change replaces proline, which is neutral and non-polar, with leucine, which is neutral and non-polar, at codon 144 of the HOXA13 protein (p.Pro144Leu). The frequency data for this variant in the population databases is considered unreliable, as metrics indicate insufficient coverage at this position in the gnomAD database. This variant has not been reported in the literature in individuals affected with HOXA13-related conditions. ClinVar contains an entry for this variant (Variation ID: 1437472). Invitae Evidence Modeling of protein sequence and biophysical properties (such as structural, functional, and spatial information, amino acid conservation, physicochemical variation, residue mobility, and thermodynamic stability) indicates that this missense variant is not expected to disrupt HOXA13 protein function with a negative predictive value of 80%. In summary, the available evidence is currently insufficient to determine the role of this variant in disease. Therefore, it has been classified as a Variant of Uncertain Significance.

Fulgent Genetics
Classification: Uncertain significance for Hand-foot-genital syndrome; Guttmacher syndrome. Last evaluated: 2024-04-29. Review status: criteria provided, single submitter. Criteria: ACMG Guidelines, 2015. Collection method: clinical testing. Allele origin: germline.